The following is an entry in ClinVar:

NM_018139.3(DNAAF2):c.1685C>T (p.Ser562Phe)

Gene: DNAAF2 (dynein axonemal assembly factor 2; minus strand). Cytogenetic location: 14q21.3.
Variant type: single nucleotide variant.
Coding change: c.1685C>T on transcript NM_018139.3 (MANE Select); coding-DNA position 1685, C replaced by T.
Protein change: p.Ser562Phe; replaces serine 562 with phenylalanine.
Molecular consequence: missense variant. On other transcripts: intron variant (1).
Genome position (GRCh38, 1-based): chr14:49,633,465, G>A on the plus strand (C>T on the coding strand, the complement: DNAAF2 is on the minus strand). VCF-style: chr14-49633465-G-A. GRCh37 (hg19) VCF-style: chr14-50100183-G-A.
Other names: c.1685C>T, p.Ser562Phe (NM_001083908.2); c.-205+18C>T (NM_001378453.1); short protein forms S562F.
Identifiers: ClinVar variation 3502877 (VCV003502877.1).

ClinVar aggregate classification (germline): Uncertain significance (1 of 4 stars; one submission).

Conditions:
Primary ciliary dyskinesia. Also called: Ciliary dyskinesia. Identifiers: Orphanet 244, MedGen C0008780, MONDO:0016575, HP:0012265.

gnomAD v4.1: 5 of 1,614,082 alleles (0.00031%); highest among the groups gnomAD compares: African/African-American, 0.0027%; no homozygotes.

Submission:

Ambry Genetics
Classification: Uncertain significance for Primary ciliary dyskinesia. Last evaluated: 2024-10-04. Review status: criteria provided, single submitter. Criteria: Ambry Variant Classification Scheme 2023. Collection method: clinical testing. Allele origin: germline.
Comment: The p.S562F variant (also known as c.1685C>T), located in coding exon 1 of the DNAAF2 gene, results from a C to T substitution at nucleotide position 1685. The serine at codon 562 is replaced by phenylalanine, an amino acid with highly dissimilar properties. This amino acid position is conserved. In addition, this alteration is predicted to be tolerated by in silico analysis. Based on the available evidence, the clinical significance of this variant remains unclear.